The following is an entry in ClinVar:

NM_001903.5(CTNNA1):c.66T>C (p.Thr22=)

Gene: CTNNA1 (catenin alpha 1; plus strand). Cytogenetic location: 5q31.2.
Variant type: single nucleotide variant.
Coding change: c.66T>C on transcript NM_001903.5 (MANE Select); coding-DNA position 66, T replaced by C.
Protein change: p.Thr22=; no amino-acid change (threonine 22 retained).
Molecular consequence: synonymous variant. On other transcripts: 5 prime UTR variant (2).
Genome position (GRCh38, 1-based): chr5:138,781,990, T>C. VCF-style: chr5-138781990-T-C. GRCh37 (hg19) VCF-style: chr5-138117679-T-C.
Other names: c.66T>C, p.Thr22= (NM_001290307.3, NM_001323982.2, NM_001323983.1 and 3 more transcripts); c.-48T>C (NM_001290309.3); c.-141T>C (NM_001290310.3).
Identifiers: ClinVar variation 1143606 (VCV001143606.12), dbSNP rs1189827236, ClinGen allele CA446724775.

ClinVar aggregate classification (germline): Benign/Likely benign. Review status: criteria provided, multiple submitters, no conflicts (2 of 4 stars). 3 submissions from 3 submitters: Benign (1); Likely benign (2). Last evaluated 2025-06-07.

Conditions:
Hereditary cancer-predisposing syndrome. Also called: Hereditary neoplastic syndrome; Tumor predisposition; Neoplastic Syndromes, Hereditary; Hereditary Cancer Syndrome. Identifiers: Orphanet 140162, MedGen C0027672, MeSH D009386, MONDO:0015356.
Hereditary diffuse gastric adenocarcinoma (HDGC). Also called: DIFFUSE GASTRIC AND LOBULAR BREAST CANCER SYNDROME. Identifiers: Orphanet 26106, MedGen C1708349, MONDO:0007648, OMIM 137215.

Allele frequency attached by ClinVar (database versions not stated): TOPMed below 0.00001.
gnomAD v4.1: 1 of 1,607,904 alleles (0.000062%); no homozygotes.

Submissions (3):

Labcorp Genetics (formerly Invitae), Labcorp
Classification: Likely benign. Last evaluated: 2025-06-07. Review status: criteria provided, single submitter. Criteria: Invitae Variant Classification Sherloc (09022015). Collection method: clinical testing. Allele origin: germline.

Myriad Genetics, Inc.
Classification: Benign for Hereditary diffuse gastric adenocarcinoma. Last evaluated: 2024-10-09. Review status: criteria provided, single submitter. Criteria: Myriad Autosomal Dominant, Autosomal Recessive and X-Linked Classification Criteria (2023). Collection method: clinical testing. Allele origin: unknown.
Comment: This variant is considered benign. This variant is a silent/synonymous amino acid change and it is not expected to impact splicing.

Ambry Genetics
Classification: Likely benign for Hereditary cancer-predisposing syndrome. Last evaluated: 2021-05-26. Review status: criteria provided, single submitter. Criteria: Ambry Variant Classification Scheme 2023. Collection method: clinical testing. Allele origin: germline.